The following is an entry in ClinVar:

ClinVar aggregate classification (germline): Uncertain significance (1 of 4 stars; one submission).

Conditions:
Congenital neutropenia-myelofibrosis-nephromegaly syndrome. Also called: Severe congenital neutropenia 5, autosomal recessive. Identifiers: Orphanet 369852, MedGen C3809031, MONDO:0014118, OMIM 615285.

Allele frequency attached by ClinVar (database versions not stated): gnomAD exomes below 0.00001; gnomAD 0.00001; TOPMed 0.00001.
gnomAD v4.1: 4 of 1,613,874 alleles (0.00025%); highest among the groups gnomAD compares: African/African-American, 0.004%; no homozygotes.

Submission:

Labcorp Genetics (formerly Invitae), Labcorp
Classification: Uncertain significance for Congenital neutropenia-myelofibrosis-nephromegaly syndrome. Last evaluated: 2022-07-19. Review status: criteria provided, single submitter. Criteria: Invitae Variant Classification Sherloc (09022015). Collection method: clinical testing. Allele origin: germline.
Comment: This sequence change affects codon 31 of the VPS45 mRNA. It is a 'silent' change, meaning that it does not change the encoded amino acid sequence of the VPS45 protein. This variant also falls at the last nucleotide of exon 1, which is part of the consensus splice site for this exon. This variant is not present in population databases (gnomAD no frequency). This variant has not been reported in the literature in individuals affected with VPS45-related conditions. ClinVar contains an entry for this variant (Variation ID: 1475739). Variants that disrupt the consensus splice site are a relatively common cause of aberrant splicing (PMID: 17576681, 9536098). Algorithms developed to predict the effect of sequence changes on RNA splicing suggest that this variant may disrupt the consensus splice site. In summary, the available evidence is currently insufficient to determine the role of this variant in disease. Therefore, it has been classified as a Variant of Uncertain Significance.

Literature cited by the submitters: PubMed 17576681; PubMed 9536098.

NM_007259.5(VPS45):c.93G>A (p.Thr31=)

Gene: VPS45 (vacuolar protein sorting 45 homolog; plus strand). Cytogenetic location: 1q21.2.
Variant type: single nucleotide variant.
Coding change: c.93G>A on transcript NM_007259.5 (MANE Select); coding-DNA position 93, G replaced by A.
Protein change: p.Thr31=; no amino-acid change (threonine 31 retained).
Molecular consequence: synonymous variant. On other transcripts: 5 prime UTR variant (1), non-coding transcript variant (1), intron variant (1).
Genome position (GRCh38, 1-based): chr1:150,067,950, G>A. VCF-style: chr1-150067950-G-A. GRCh37 (hg19) VCF-style: chr1-150040007-G-A.
Other names: c.-36G>A (NM_001279354.2); c.-16+344G>A (NM_001279353.2).
Identifiers: ClinVar variation 1475739 (VCV001475739.5), dbSNP rs1387315578, ClinGen allele CA420650688.